The following is an entry in ClinVar:

ClinVar aggregate classification (germline): Benign. Review status: criteria provided, multiple submitters, no conflicts (2 of 4 stars). 2 submissions from 2 submitters: Benign (2). Last evaluated 2018-01-13.

Conditions:
Microcytic anemia with liver iron overload. Also called: Anemia, hypochromic microcytic, with iron overload 1. Identifiers: Orphanet 83642, MedGen C3806153, MONDO:0008787, OMIM 206100.

Allele frequency attached by ClinVar (database versions not stated): 1000 Genomes Project 30x 0.89819; gnomAD 0.90829 and 0.90981; 1000 Genomes Project 0.89677; TOPMed 0.90228; ExAC 0.91858; gnomAD exomes 0.93754 and 0.93473.
gnomAD v4.1: 1,199,190 of 1,287,120 alleles (93%); highest among the groups gnomAD compares: East Asian, 98%; 559,390 homozygotes.

Submissions (2):

Illumina Laboratory Services, Illumina
Classification: Benign for Microcytic anemia with liver iron overload. Last evaluated: 2018-01-13. Review status: criteria provided, single submitter. Criteria: ICSL Variant Classification Criteria 13 December 2019. Collection method: clinical testing. Allele origin: germline.
Comment: This variant was observed in the ICSL laboratory as part of a predisposition screen in an ostensibly healthy population. It had not been previously curated by ICSL or reported in the Human Gene Mutation Database (HGMD: prior to June 1st, 2018), and was therefore a candidate for classification through an automated scoring system. Utilizing variant allele frequency, disease prevalence and penetrance estimates, and inheritance mode, an automated score was calculated to assess if this variant is too frequent to cause the disease. Based on the score and internal cut-off values, a variant classified as benign is not then subjected to further curation. The score for this variant resulted in a classification of benign for this disease.

Breakthrough Genomics
Classification: Benign. Review status: criteria provided, single submitter. Criteria: ACMG Guidelines, 2015. Collection method: not provided. Allele origin: germline. Inheritance: Autosomal recessive inheritance. Affected: yes.

NM_000617.3(SLC11A2):c.*1031G>A

Gene: SLC11A2 (solute carrier family 11 member 2; minus strand). Cytogenetic location: 12q13.12.
Variant type: single nucleotide variant.
Coding change: c.*1031G>A on transcript NM_000617.3 (MANE Select); 1031 bases downstream of the stop codon, G replaced by A.
Molecular consequence: 3 prime UTR variant. On other transcripts: non-coding transcript variant (4), intron variant (8).
Genome position (GRCh38, 1-based): chr12:50,987,294, C>T on the plus strand (G>A on the coding strand, the complement: SLC11A2 is on the minus strand). VCF-style: chr12-50987294-C-T. GRCh37 (hg19) VCF-style: chr12-51381077-C-T.
Other names: c.*1031G>A (NM_001174125.2, NM_001174128.2, NM_001174129.2 and 6 more transcripts); c.1716+1088G>A (NM_001379446.1); c.1518+1088G>A (NM_001414747.1); c.1629+1088G>A (NM_001174127.2, NM_001174126.2, NM_001379447.2); c.*25+1006G>A (NM_001414744.1, NM_001414746.1); c.1617+1088G>A (NM_001379448.1).
Identifiers: ClinVar variation 309290 (VCV000309290.6), dbSNP rs150909, ClinGen allele CA6566373.